The following is an entry in ClinVar:

ClinVar aggregate classification (germline): Pathogenic/Likely pathogenic. Review status: criteria provided, multiple submitters, no conflicts (2 of 4 stars). 9 submissions from 9 submitters: Pathogenic (6); Likely pathogenic (3). Last evaluated 2026-04-24.

Conditions:
OTOA-related disorder. Also called: OTOA-related condition.
Rare genetic deafness. Identifiers: Orphanet 96210, MedGen C5680250.
Autosomal recessive nonsyndromic hearing loss 22. Identifiers: Orphanet 90636, MedGen C1846896, MONDO:0011762, OMIM 607039.

Allele frequency attached by ClinVar (database versions not stated): gnomAD 0.00001; gnomAD exomes 0.00001 and 0.00003; TOPMed 0.00001; ExAC 0.00003; ESP Exome Variant Server 0.00015.
gnomAD v4.1: 23 of 1,613,758 alleles (0.0014%); highest among the groups gnomAD compares: Admixed American, 0.0083%; no homozygotes.

Submissions (9):

PreventionGenetics, part of Exact Sciences
Classification: Pathogenic for OTOA-related condition. Last evaluated: 2026-04-24. Review status: criteria provided, single submitter. Criteria: ACMG Guidelines, 2015. Collection method: clinical testing. Allele origin: germline.
Comment: The OTOA c.1880+1G>A variant is predicted to disrupt the GT donor site and interfere with normal splicing. This variant was reported in the compound heterozygous state in an individual with hearing loss (Guan et al. 2021. PubMed ID: 34416374, supplementary data). This variant is reported in 0.012% of alleles in individuals of Latino descent in gnomAD, although NGS based data may be unreliable due to sequence paralogy. Variants that disrupt the consensus splice donor site in OTOA are expected to be pathogenic. This variant is interpreted as pathogenic.

Labcorp Genetics (formerly Invitae), Labcorp
Classification: Pathogenic. Last evaluated: 2026-01-19. Review status: criteria provided, single submitter. Criteria: Invitae Variant Classification Sherloc (09022015). Collection method: clinical testing. Allele origin: germline.
Comment: This sequence change affects a donor splice site in intron 17 of the OTOA gene. It is expected to disrupt RNA splicing. Variants that disrupt the donor or acceptor splice site typically lead to a loss of protein function (PMID: 16199547), and loss-of-function variants in OTOA are known to be pathogenic (PMID: 11972037). This variant is present in population databases (rs148690740, gnomAD 0.009%). Disruption of this splice site has been observed in individuals with deafness (PMID: 34416374; internal data). ClinVar contains an entry for this variant (Variation ID: 164826). Algorithms developed to predict the effect of sequence changes on RNA splicing suggest that this variant may disrupt the consensus splice site. For these reasons, this variant has been classified as Pathogenic.

Dasa
Classification: Likely pathogenic. Last evaluated: 2025-12-15. Review status: criteria provided, single submitter. Criteria: DASA Assertion Criteria. Collection method: clinical testing. Allele origin: germline.
Comment: NM_144672.4(OTOA):c.1880+1G>A affects a canonical splice site and is predicted to disrupt normal RNA splicing. Loss of function is an established disease mechanism for OTOA-associated disorders. Also, this variant is rare in population databases. Based on the currently available evidence, this variant is classified as likely pathogenic.

CeGaT Center for Human Genetics Tuebingen
Classification: Pathogenic. Last evaluated: 2025-07-01. Review status: criteria provided, single submitter. Criteria: CeGaT Center For Human Genetics Tuebingen Variant Classification Criteria Version 2. Collection method: clinical testing. Allele origin: germline. Affected: yes. Observed: 1 variant allele.
Comment: OTOA: PVS1, PM2

GeneDx
Classification: Pathogenic. Last evaluated: 2024-12-03. Review status: criteria provided, single submitter. Criteria: GeneDx Variant Classification Process June 2021. Collection method: clinical testing. Allele origin: germline. Affected: yes.
Comment: Identified in a patient with hearing loss in published literature, however, clinical and molecular data is not available (PMID: 34416374); Canonical splice site variant predicted to result in a null allele in a gene for which loss of function is a known mechanism of disease; This variant is associated with the following publications: (PMID: 31589614, 34416374)

Fulgent Genetics
Classification: Likely pathogenic for Autosomal recessive nonsyndromic hearing loss 22. Last evaluated: 2024-05-14. Review status: criteria provided, single submitter. Criteria: ACMG Guidelines, 2015. Collection method: clinical testing. Allele origin: germline.

Eurofins Ntd Llc (ga)
Classification: Pathogenic. Last evaluated: 2017-01-06. Review status: criteria provided, single submitter. Criteria: EGL Classification Definitions 2015. Collection method: clinical testing. Allele origin: germline. Observed: 1 variant allele, 1 heterozygote.

Laboratory for Molecular Medicine, Mass General Brigham Personalized Medicine
Classification: Pathogenic for Rare genetic deafness. Last evaluated: 2013-10-30. Review status: criteria provided, single submitter. Criteria: LMM Criteria. Collection method: clinical testing. Allele origin: germline. Inheritance: Autosomal recessive inheritance. Observed: 1 variant allele.
Comment: The 1880+1G>A variant OTOA has not been previously reported in individuals with hearing loss but has been identified in 1/4396 African American chromosomes and 1/8600 European American chromosomes by the NHLBI Exome Sequencing Project (dbSNP rs148690740). This variant occurs in the invaria nt region (+/- 1/2) of the splice consensus sequence and is predicted to cause a ltered splicing leading to an abnormal or absent protein. In summary, this varia nt meets our criteria to be classified as pathogenic (LMM).

Juno Genomics, Hangzhou Juno Genomics, Inc
Classification: Likely pathogenic for Autosomal recessive nonsyndromic hearing loss 22. Review status: criteria provided, single submitter. Criteria: ACMG Guidelines, 2015. Collection method: clinical testing. Allele origin: germline.
Comment: Null variant in a gene where loss of function (LOF) is a known mechanism of disease.;Absent from controls (or at extremely low frequency if recessive) in Genome Aggregation Database.

Literature cited by the submitters: PubMed 16199547 (cited by Labcorp Genetics (formerly Invitae), Labcorp); PubMed 11972037 (cited by Labcorp Genetics (formerly Invitae), Labcorp); PubMed 34416374 (cited by Labcorp Genetics (formerly Invitae), Labcorp).

NM_144672.4(OTOA):c.1880+1G>A

Gene: OTOA (otoancorin). Cytogenetic location: 16p12.2.
Variant type: single nucleotide variant.
Coding change: c.1880+1G>A on transcript NM_144672.4 (MANE Select); the canonical splice donor site of the intron after coding-DNA position 1880, G replaced by A.
Molecular consequence: splice donor variant.
Genome position (GRCh38, 1-based): chr16:21,722,979, G>A. VCF-style: chr16-21722979-G-A. GRCh37 (hg19) VCF-style: chr16-21734300-G-A.
Other names: c.1643+1G>A (NM_001161683.2); c.908+1G>A (NM_170664.3).
Identifiers: ClinVar variation 164826 (VCV000164826.34), dbSNP rs148690740, ClinGen allele CA273210.